The following is an entry in ClinVar:

NM_002458.3(MUC5B):c.6252A>G (p.Thr2084=)

Genes: MUC5B (mucin 5B, oligomeric mucus/gel-forming; plus strand), MUC5B-AS1 (MUC5B antisense RNA 1; minus strand). Cytogenetic location: 11p15.5.
Variant type: single nucleotide variant.
Coding change: c.6252A>G on transcript NM_002458.3 (MANE Select); coding-DNA position 6252, A replaced by G.
Protein change: p.Thr2084=; no amino-acid change (threonine 2084 retained).
Molecular consequence: synonymous variant.
Genome position (GRCh38, 1-based): chr11:1,243,132, A>G. VCF-style: chr11-1243132-A-G. GRCh37 (hg19) VCF-style: chr11-1264362-A-G.
Identifiers: ClinVar variation 403135 (VCV000403135.8), dbSNP rs11605113, ClinGen allele CA5805965.
Genomic context (GRCh38, chr11:1,243,132, plus strand): 5'-CTCCAGCCCAGGGACGGCACTCACGCCTCCAGTGTGGATCAGCACAACCACCACACCCAC[A>G]ACCAGAGGCTCCACGGTGACCCCCTCCTCCATCCCGGGGACCACCCACACCGCCACAGTG-3'
Protein context (NP_002449.2, residues 2074-2094): PVWISTTTTP[Thr2084=]TRGSTVTPSS

ClinVar aggregate classification (germline): Benign. Review status: criteria provided, multiple submitters, no conflicts (2 of 4 stars). 3 submissions from 3 submitters: Benign (3). Last evaluated 2021-06-09.

Allele frequency attached by ClinVar (database versions not stated): gnomAD 0.28768 and 0.29142; TOPMed 0.29548; gnomAD exomes 0.31310 and 0.32668; 1000 Genomes Project 30x 0.33557; ExAC 0.34300; 1000 Genomes Project 0.34385.

Submissions (3):

GeneDx
Classification: Benign. Last evaluated: 2021-06-09. Review status: criteria provided, single submitter. Criteria: GeneDx Variant Classification Process June 2021. Collection method: clinical testing. Allele origin: germline. Affected: yes.

Laboratory for Molecular Medicine, Mass General Brigham Personalized Medicine
Classification: Benign. Last evaluated: 2016-03-28. Review status: criteria provided, single submitter. Criteria: LMM Criteria. Collection method: clinical testing. Allele origin: germline.
Comment: Variant identified in a genome or exome case(s) and assessed due to predicted null impact of the variant or pathogenic assertions in the literature or databases. Disclaimer: This variant has not undergone full assessment. The following are preliminary notes: Frequency

Breakthrough Genomics
Classification: Benign. Review status: criteria provided, single submitter. Criteria: ACMG Guidelines, 2015. Collection method: not provided. Allele origin: germline. Inheritance: Autosomal dominant inheritance. Affected: yes.